The following is an entry in ClinVar:

NM_000487.6(ARSA):c.245G>T (p.Arg82Leu)

Gene: ARSA (arylsulfatase A; minus strand). Cytogenetic location: 22q13.33.
Variant type: single nucleotide variant.
Coding change: c.245G>T on transcript NM_000487.6 (MANE Select); coding-DNA position 245, G replaced by T.
Protein change: p.Arg82Leu; replaces arginine 82 with leucine.
Molecular consequence: missense variant. On other transcripts: 5 prime UTR variant (2).
Genome position (GRCh38, 1-based): chr22:50,627,386, C>A on the plus strand (G>T on the coding strand, the complement: ARSA is on the minus strand). VCF-style: chr22-50627386-C-A. GRCh37 (hg19) VCF-style: chr22-51065814-C-A.
Other names: c.245G>T, p.Arg82Leu (NM_001085425.3, NM_001085426.3, NM_001085427.3); c.-14G>T (NM_001085428.3, NM_001362782.2); short protein forms R82L.
Identifiers: ClinVar variation 1963676 (VCV001963676.5), dbSNP rs769892461, ClinGen allele CA412181874.
Genomic context (GRCh38, chr22:50,627,386, plus strand): 5'-AGGCCCCCCCGGGAGCTGGGCACCAGGACGCCAGGGTACATGCCCATCCGAACCGGGAGC[C>A]GGCCGGTCAGGAGGGCGGCCCTGCGGGACAAGTCACAGAGTCCCTGAGACAGACAGAAAT-3'
Protein context (NP_000478.3, residues 72-92): TPSRAALLTG[Arg82Leu]LPVRMGMYPG

ClinVar aggregate classification (germline): Pathogenic (1 of 4 stars; one submission).

Conditions:
Metachromatic leukodystrophy (MLD). Also called: ARSA DEFICIENCY; CEREBROSIDE SULFATASE DEFICIENCY; METACHROMATIC LEUKOENCEPHALOPATHY; SULFATIDE LIPIDOSIS; Cerebral sclerosis diffuse metachromatic form; Arylsulfatase A Deficiency. Identifiers: Orphanet 512, MedGen C0023522, MONDO:0018868, OMIM 250100.

Submission:

Labcorp Genetics (formerly Invitae), Labcorp
Classification: Pathogenic for Metachromatic leukodystrophy. Last evaluated: 2025-12-29. Review status: criteria provided, single submitter. Criteria: Invitae Variant Classification Sherloc (09022015). Collection method: clinical testing. Allele origin: germline.
Comment: This sequence change replaces arginine, which is basic and polar, with leucine, which is neutral and non-polar, at codon 82 of the ARSA protein (p.Arg82Leu). This variant is not present in population databases (gnomAD no frequency). This missense change has been observed in individual(s) with clinical features of ARSA-related conditions (internal data). In at least one individual the data is consistent with being in trans (on the opposite chromosome) from a pathogenic variant. ClinVar contains an entry for this variant (Variation ID: 1963676). Invitae Evidence Modeling of protein sequence and biophysical properties (such as structural, functional, and spatial information, amino acid conservation, physicochemical variation, residue mobility, and thermodynamic stability) indicates that this missense variant is expected to disrupt ARSA protein function with a positive predictive value of 95%. This variant disrupts the p.Arg82 amino acid residue in ARSA. Other variant(s) that disrupt this residue have been determined to be pathogenic (PMID: 30057904; internal data). This suggests that this residue is clinically significant, and that variants that disrupt this residue are likely to be disease-causing. For these reasons, this variant has been classified as Pathogenic.

Literature cited by the submitters: PubMed 30057904.